The following is an entry in ClinVar:

NM_005120.3(MED12):c.107T>G (p.Leu36Arg)

Gene: MED12 (mediator complex subunit 12; plus strand). Cytogenetic location: Xq13.1.
Variant type: single nucleotide variant.
Coding change: c.107T>G on transcript NM_005120.3 (MANE Select); coding-DNA position 107, T replaced by G.
Protein change: p.Leu36Arg; replaces leucine 36 with arginine.
Molecular consequence: missense variant.
Genome position (GRCh38, 1-based): chrX:71,119,380, T>G. VCF-style: chrX-71119380-T-G. GRCh37 (hg19) VCF-style: chrX-70339230-T-G.
Other names: short protein forms L36R.
Identifiers: ClinVar variation 92201 (VCV000092201.3), dbSNP rs199469667, ClinGen allele CA145531.

ClinVar aggregate classification (germline): not provided (0 of 4 stars; one submission).
ClinVar aggregate classification (somatic clinical impact): Tier II - Potential (1 of 4 stars; one submission).

Conditions:
Uterine leiomyoma (UL). Also called: Uterine corpus leiomyoma. Identifiers: MedGen C0042133, MONDO:0007886, OMIM 150699, HP:0000131.
Medulloblastoma non-WNT/non-SHH group 3. Identifiers: MedGen C4330665, MONDO:0956966.

Submissions (2):

Institute for Genomic Medicine (IGM) Clinical Laboratory, Nationwide Children's Hospital
Classification: Tier II - Potential for Medulloblastoma non-WNT/non-SHH group 3. Assertion type: diagnostic. Clinical significance: supports diagnosis. Last evaluated: 2023-07-14. Review status: criteria provided, single submitter. Criteria: AMP/ASCO/CAP Guidelines, 2017. Collection method: clinical testing. Allele origin: somatic. Affected: yes.
Comment: Variant has Tier II (potential) clinical significance as a diagnostic inclusion criterion in medulloblastoma non-WNT/non-SHH group 3, based on the following evidence: 1) Documented in one or more cancer databases (e.g., St. Jude Pecan, COSMIC, CIViC, OncoKB). 2) Information in the literature supports potential biologic effect of variant (PMIDs: 24746821, 21868628). 3) Assists in diagnosis alone or along with other biomarkers based on small studies or few case reports (Evidence Level D; PMID: 28726821).

Rajkovic Lab, University of Pittsburgh
No classification provided. Condition: Leiomyoma, uterine. Review status: no classification provided. Collection method: not provided. Allele origin: somatic.
ClinVar note: Converted during submission from Associated with leiomyomas to not provided.

Literature cited by the submitters: PubMed 24746821 (cited by Institute for Genomic Medicine (IGM) Clinical Laboratory, Nationwide Children's Hospital); PubMed 21868628 (cited by Institute for Genomic Medicine (IGM) Clinical Laboratory, Nationwide Children's Hospital); PubMed 28726821 (cited by Institute for Genomic Medicine (IGM) Clinical Laboratory, Nationwide Children's Hospital).